The following is an entry in ClinVar:

ClinVar aggregate classification (germline): Pathogenic (1 of 4 stars; one submission).

Conditions:
Alstrom syndrome (ALMS). Identifiers: Orphanet 64, MedGen C0268425, MONDO:0008763, OMIM 203800.

Submission:

Juno Genomics, Hangzhou Juno Genomics, Inc
Classification: Pathogenic for Alstrom syndrome. Review status: criteria provided, single submitter. Criteria: ACMG Guidelines, 2015. Collection method: clinical testing. Allele origin: germline. Affected: yes.
Comment: Absent from controls (or at extremely low frequency if recessive) in Genome Aggregation Database.;Null variant in a gene where loss of function (LOF) is a known mechanism of disease.;For recessive disorders, detected in trans with a pathogenic variant.;Patient's phenotype or family history is highly specific for a disease with a single genetic etiology.

NM_001378454.1(ALMS1):c.10347G>A (p.Trp3449Ter)

Gene: ALMS1 (ALMS1 centrosome and basal body associated protein; plus strand). Cytogenetic location: 2p13.1.
Variant type: single nucleotide variant.
Coding change: c.10347G>A on transcript NM_001378454.1 (MANE Select); coding-DNA position 10347, G replaced by A.
Protein change: p.Trp3449Ter; replaces tryptophan 3449 with a stop codon.
Molecular consequence: nonsense.
Genome position (GRCh38, 1-based): chr2:73,559,105, G>A. VCF-style: chr2-73559105-G-A. GRCh37 (hg19) VCF-style: chr2-73786232-G-A.
Other names: c.10350G>A, p.Trp3450Ter (NM_015120.4); short protein forms W3449*, W3450*.
Identifiers: ClinVar variation 5018788 (VCV005018788.1).